The following is an entry in ClinVar:

NM_012330.4(KAT6B):c.1373T>C (p.Phe458Ser)

Gene: KAT6B (lysine acetyltransferase 6B; plus strand). Cytogenetic location: 10q22.2.
Variant type: single nucleotide variant.
Coding change: c.1373T>C on transcript NM_012330.4 (MANE Select); coding-DNA position 1373, T replaced by C.
Protein change: p.Phe458Ser; replaces phenylalanine 458 with serine.
Molecular consequence: missense variant. On other transcripts: intron variant (11).
Genome position (GRCh38, 1-based): chr10:74,975,710, T>C. VCF-style: chr10-74975710-T-C. GRCh37 (hg19) VCF-style: chr10-76735468-T-C.
Other names: c.1373T>C, p.Phe458Ser (NM_001256468.2, NM_001370136.1, NM_001370137.1 and 1 more transcripts); c.1117+256T>C (NM_001370139.1, NM_001370140.1, NM_001370141.1 and 3 more transcripts); c.846+5935T>C (NM_001370133.1); c.193-3514T>C (NM_001370134.1); c.929-1606T>C (NM_001370143.1, NM_001370144.1); c.193-13309T>C (NM_001370135.1); short protein forms F458S.
Identifiers: ClinVar variation 5002766 (VCV005002766.1).
Genomic context (GRCh38, chr10:74,975,710, plus strand): 5'-TTACTAAGTTTTTTACACCATCACCTGATGGTCGCAGATCACGAGGTGAAATTATAGACT[T>C]TTCAAAGCACTATCGTCCAAGGAAAAAGGTCTCTCAGAAACAGTCATGCACTTCTCATGT-3'
Protein context (NP_036462.2, residues 448-468): GRRSRGEIID[Phe458Ser]SKHYRPRKKV

ClinVar aggregate classification (germline): Uncertain significance (1 of 4 stars; one submission).

Conditions:
Blepharophimosis - intellectual disability syndrome, SBBYS type (SBBYSS). Also called: Say-Barber-Biesecker-Young-Simpson variant of Ohdo Syndrome; Say-Barber-Biesecker Variant of Ohdo Syndrome; Say-Barber-Biesecker-Young-Simpson syndrome; Say-Barber-Biesecker variant of Ohdo syndrome (SBBYSS); Ohdo syndrome, SBBYS variant; SBBYSS syndrome. Identifiers: Orphanet 3047, MedGen C1863557, MONDO:0011365, OMIM 603736.

Submission:

OLLIN Analises Genomicas, OLLIN
Classification: Uncertain significance for Blepharophimosis - intellectual disability syndrome, SBBYS type. Last evaluated: 2026-08-06. Review status: criteria provided, single submitter. Criteria: ACMG Guidelines 2015 PMID 25741868. Collection method: clinical testing. Allele origin: germline. Inheritance: Autosomal dominant inheritance.
Comment: This missense variant, located in exon 8 (of 18), is absent from gnomAD and ClinVar and has not been identified in the literature. In silico analysis is inconclusive regarding the impact of this variant. According to the currently available evidence, this variant has been classified as uncertain significance (PM2_P).